The following is an entry in ClinVar:

NM_000059.4(BRCA2):c.1748T>C (p.Leu583Ser)

Gene: BRCA2 (BRCA2 DNA repair associated; plus strand). Cytogenetic location: 13q13.1.
Variant type: single nucleotide variant.
Coding change: c.1748T>C on transcript NM_000059.4 (MANE Select); coding-DNA position 1748, T replaced by C.
Protein change: p.Leu583Ser; replaces leucine 583 with serine.
Molecular consequence: missense variant. On other transcripts: non-coding transcript variant (1), intron variant (1).
Genome position (GRCh38, 1-based): chr13:32,333,226, T>C. VCF-style: chr13-32333226-T-C. GRCh37 (hg19) VCF-style: chr13-32907363-T-C.
Other names: c.1748T>C, p.Leu583Ser (NM_001406719.1, NM_001406720.1, NM_001406721.1); c.424+2196T>C (NM_001406722.1); short protein forms L583S.
Identifiers: ClinVar variation 2892717 (VCV002892717.4), dbSNP rs397507604, ClinGen allele CA387765477.

ClinVar aggregate classification (germline): Uncertain significance. Review status: criteria provided, multiple submitters, no conflicts (2 of 4 stars). 2 submissions from 2 submitters: Uncertain significance (2). Last evaluated 2026-07-06.

Conditions:
Hereditary cancer-predisposing syndrome. Also called: Hereditary Cancer Syndrome; Hereditary neoplastic syndrome; Neoplastic Syndromes, Hereditary; Tumor predisposition. Identifiers: Orphanet 140162, MedGen C0027672, MeSH D009386, MONDO:0015356.
Hereditary breast ovarian cancer syndrome. Also called: Hereditary breast and ovarian cancer syndrome; Hereditary breast and/or ovarian cancer syndrome; Hereditary breast and ovarian cancer syndrome (HBOC); BRCA1- and BRCA2-Associated Hereditary Breast and Ovarian Cancer; Hereditary breast and ovarian cancer; Breast and ovarian cancer. Identifiers: Orphanet 145, MedGen C0677776, MeSH D061325, MONDO:0003582. Disease mechanism: loss of function.

Submissions (2):

Ambry Genetics
Classification: Uncertain significance for Hereditary cancer-predisposing syndrome. Last evaluated: 2026-07-06. Review status: criteria provided, single submitter. Criteria: Ambry Variant Classification Scheme 2023. Collection method: clinical testing. Allele origin: germline.
Comment: The p.L583S variant (also known as c.1748T>C), located in coding exon 9 of the BRCA2 gene, results from a T to C substitution at nucleotide position 1748. The leucine at codon 583 is replaced by serine, an amino acid with dissimilar properties. This amino acid position is conserved. In addition, the in silico prediction for this alteration is inconclusive. Based on the available evidence, the clinical significance of this variant remains unclear.

Labcorp Genetics (formerly Invitae), Labcorp
Classification: Uncertain significance for Hereditary breast ovarian cancer syndrome. Last evaluated: 2023-10-20. Review status: criteria provided, single submitter. Criteria: Invitae Variant Classification Sherloc (09022015). Collection method: clinical testing. Allele origin: germline.
Comment: This sequence change replaces leucine, which is neutral and non-polar, with serine, which is neutral and polar, at codon 583 of the BRCA2 protein (p.Leu583Ser). This variant is not present in population databases (gnomAD no frequency). This variant has not been reported in the literature in individuals affected with BRCA2-related conditions. Advanced modeling of protein sequence and biophysical properties (such as structural, functional, and spatial information, amino acid conservation, physicochemical variation, residue mobility, and thermodynamic stability) performed at Invitae indicates that this missense variant is not expected to disrupt BRCA2 protein function. In summary, the available evidence is currently insufficient to determine the role of this variant in disease. Therefore, it has been classified as a Variant of Uncertain Significance.